The following is an entry in ClinVar:

ClinVar aggregate classification (germline): Uncertain significance. Review status: criteria provided, multiple submitters, no conflicts (2 of 4 stars). 4 submissions from 4 submitters: Uncertain significance (4). Last evaluated 2024-12-07.

Conditions:
Hereditary cancer-predisposing syndrome. Also called: Neoplastic Syndromes, Hereditary; Tumor predisposition; Hereditary neoplastic syndrome; Hereditary Cancer Syndrome. Identifiers: Orphanet 140162, MedGen C0027672, MeSH D009386, MONDO:0015356.
Hereditary diffuse gastric adenocarcinoma (HDGC). Also called: DIFFUSE GASTRIC AND LOBULAR BREAST CANCER SYNDROME. Identifiers: Orphanet 26106, MedGen C1708349, MONDO:0007648, OMIM 137215.
Familial cancer of breast. Also called: BREAST CANCER, FAMILIAL; Hereditary breast cancer; hereditary breast carcinoma. Identifiers: Orphanet 227535, MedGen C0346153, MONDO:0016419, OMIM 114480. Disease mechanism: loss of function.

Allele frequency attached by ClinVar (database versions not stated): gnomAD exomes below 0.00001.
gnomAD v4.1: 5 of 1,614,064 alleles (0.00031%); highest among the groups gnomAD compares: Non-Finnish European, 0.00034%; no homozygotes.

Submissions (4):

Labcorp Genetics (formerly Invitae), Labcorp
Classification: Uncertain significance for Hereditary diffuse gastric adenocarcinoma. Last evaluated: 2024-12-07. Review status: criteria provided, single submitter. Criteria: Invitae Variant Classification Sherloc (09022015). Collection method: clinical testing. Allele origin: germline.
Comment: This sequence change replaces alanine, which is neutral and non-polar, with threonine, which is neutral and polar, at codon 234 of the CDH1 protein (p.Ala234Thr). This variant is not present in population databases (gnomAD no frequency). This variant has not been reported in the literature in individuals affected with CDH1-related conditions. ClinVar contains an entry for this variant (Variation ID: 239911). An algorithm developed to predict the effect of missense changes on protein structure and function (PolyPhen-2) suggests that this variant is likely to be disruptive. In summary, the available evidence is currently insufficient to determine the role of this variant in disease. Therefore, it has been classified as a Variant of Uncertain Significance.

Baylor Genetics
Classification: Uncertain significance for Familial cancer of breast. Last evaluated: 2023-08-11. Review status: criteria provided, single submitter. Criteria: ACMG Guidelines, 2015. Collection method: clinical testing. Allele origin: unknown.

Ambry Genetics
Classification: Uncertain significance for Hereditary cancer-predisposing syndrome. Last evaluated: 2022-12-20. Review status: criteria provided, single submitter. Criteria: Ambry Variant Classification Scheme 2023. Collection method: clinical testing. Allele origin: germline.
Comment: The p.A234T variant (also known as c.700G>A), located in coding exon 6 of the CDH1 gene, results from a G to A substitution at nucleotide position 700. The alanine at codon 234 is replaced by threonine, an amino acid with similar properties. This amino acid position is highly conserved in available vertebrate species. In addition, this alteration is predicted to be deleterious by in silico analysis. Since supporting evidence is limited at this time, the clinical significance of this alteration remains unclear.

Color Diagnostics, LLC DBA Color Health
Classification: Uncertain significance for Hereditary cancer-predisposing syndrome. Last evaluated: 2022-11-21. Review status: criteria provided, single submitter. Criteria: ACMG Guidelines, 2015. Collection method: clinical testing. Allele origin: germline.
Comment: This missense variant replaces alanine with threonine at codon 234 of the CDH1 protein. To our knowledge, functional studies have not been reported for this variant. This variant has not been reported in individuals affected with CDH1-related disorders in the literature. This variant has not been identified in the general population by the Genome Aggregation Database (gnomAD). The available evidence is insufficient to determine the role of this variant in disease conclusively. Therefore, this variant is classified as a Variant of Uncertain Significance.

NM_004360.5(CDH1):c.700G>A (p.Ala234Thr)

Gene: CDH1 (cadherin 1; plus strand). Cytogenetic location: 16q22.1.
Variant type: single nucleotide variant.
Coding change: c.700G>A on transcript NM_004360.5 (MANE Select); coding-DNA position 700, G replaced by A.
Protein change: p.Ala234Thr; replaces alanine 234 with threonine.
Molecular consequence: missense variant. On other transcripts: 5 prime UTR variant (2).
Genome position (GRCh38, 1-based): chr16:68,810,209, G>A. VCF-style: chr16-68810209-G-A. GRCh37 (hg19) VCF-style: chr16-68844112-G-A.
Other names: c.700G>A (LRG_301t1); c.700G>A, p.Ala234Thr (NM_001317184.2); c.-916G>A (NM_001317185.2); c.-1120G>A (NM_001317186.2); short protein forms A234T.
Identifiers: ClinVar variation 239911 (VCV000239911.19), dbSNP rs878854694, ClinGen allele CA10583410.